The following is an entry in ClinVar:

ClinVar aggregate classification (germline): Uncertain significance. Review status: criteria provided, multiple submitters, no conflicts (2 of 4 stars). 4 submissions from 4 submitters: Uncertain significance (4). Last evaluated 2026-02-25.

Conditions:
PLEC-related disorder. Also called: PLEC-related disorders; PLEC-related condition.
Epidermolysis bullosa simplex 5B, with muscular dystrophy (EBS5B). Also called: Epidermolysis bullosa simplex with muscular dystrophy; EPIDERMOLYSIS BULLOSA SIMPLEX AND LIMB-GIRDLE MUSCULAR DYSTROPHY. Identifiers: Orphanet 257, MedGen C2931072, MONDO:0009181, OMIM 226670.
Epidermolysis bullosa simplex with nail dystrophy (EBS5D). Identifiers: MedGen C4225309, MONDO:0014661, OMIM 616487.
Epidermolysis bullosa simplex 5C, with pyloric atresia (EBS5C). Also called: PLEC-Related Epidermolysis Bullosa with Pyloric Atresia; Epidermolysis bullosa simplex with pyloric atresia; PLEC1-Related Epidermolysis Bullosa with Pyloric Atresia. Identifiers: Orphanet 158684, MedGen C2677349, MONDO:0012807, OMIM 612138.
Epidermolysis bullosa simplex, Ogna type (EBS5A). Also called: Pidermolysis bullosa simplex 5A, Ogna type; EPIDERMOLYSIS BULLOSA SIMPLEX 5A, OGNA TYPE. Identifiers: Orphanet 79401, MedGen C0432317, MONDO:0007555, OMIM 131950.
Autosomal recessive limb-girdle muscular dystrophy type 2Q (LGMDR17). Also called: MUSCULAR DYSTROPHY, LIMB-GIRDLE, AUTOSOMAL RECESSIVE 17. Identifiers: Orphanet 254361, MedGen C3150989, MONDO:0013390, OMIM 613723.
Inborn genetic diseases. Identifiers: MedGen C0950123, MeSH D030342.

Allele frequency attached by ClinVar (database versions not stated): gnomAD 0.00001 and 0.00002; ExAC 0.00003; TOPMed 0.00003; gnomAD exomes 0.00004; ESP Exome Variant Server 0.00008.
gnomAD v4.1: 43 of 1,611,964 alleles (0.0027%); highest among the groups gnomAD compares: Admixed American, 0.005%; no homozygotes.

Submissions (4):

PreventionGenetics, part of Exact Sciences
Classification: Uncertain significance for PLEC-related condition. Last evaluated: 2026-02-25. Review status: criteria provided, single submitter. Criteria: ACMG Guidelines, 2015. Collection method: clinical testing. Allele origin: germline.
Comment: The PLEC c.11008G>A variant is predicted to result in the amino acid substitution p.Val3670Met. To our knowledge, this variant has not been reported in the literature. This variant is reported in 0.0062% of alleles in individuals of European (Non-Finnish) descent in gnomAD. At this time, the clinical significance of this variant is uncertain due to the absence of conclusive functional and genetic evidence.

Ambry Genetics
Classification: Uncertain significance for Inborn genetic diseases. Last evaluated: 2025-03-22. Review status: criteria provided, single submitter. Criteria: Ambry Variant Classification Scheme 2023. Collection method: clinical testing. Allele origin: germline.

Labcorp Genetics (formerly Invitae), Labcorp
Classification: Uncertain significance for Autosomal recessive limb-girdle muscular dystrophy type 2Q; Epidermolysis bullosa simplex, Ogna type; Epidermolysis bullosa simplex with nail dystrophy; Epidermolysis bullosa simplex 5C, with pyloric atresia; Epidermolysis bullosa simplex 5B, with muscular dystrophy. Last evaluated: 2023-09-08. Review status: criteria provided, single submitter. Criteria: Invitae Variant Classification Sherloc (09022015). Collection method: clinical testing. Allele origin: germline.
Comment: This sequence change replaces valine, which is neutral and non-polar, with methionine, which is neutral and non-polar, at codon 3670 of the PLEC protein (p.Val3670Met). This variant is present in population databases (rs372569386, gnomAD 0.007%). This variant has not been reported in the literature in individuals affected with PLEC-related conditions. ClinVar contains an entry for this variant (Variation ID: 1038298). An algorithm developed to predict the effect of missense changes on protein structure and function (PolyPhen-2) suggests that this variant is likely to be disruptive. In summary, the available evidence is currently insufficient to determine the role of this variant in disease. Therefore, it has been classified as a Variant of Uncertain Significance.

Revvity Omics, Revvity
Classification: Uncertain significance. Last evaluated: 2020-11-23. Review status: criteria provided, single submitter. Criteria: ACMG Guidelines, 2015. Collection method: clinical testing. Allele origin: germline.

NM_201384.3(PLEC):c.10927G>A (p.Val3643Met)

Gene: PLEC (plectin; minus strand). Cytogenetic location: 8q24.3.
Variant type: single nucleotide variant.
Coding change: c.10927G>A on transcript NM_201384.3 (MANE Select); coding-DNA position 10927, G replaced by A.
Protein change: p.Val3643Met; replaces valine 3643 with methionine.
Molecular consequence: missense variant.
Genome position (GRCh38, 1-based): chr8:143,918,894, C>T on the plus strand (G>A on the coding strand, the complement: PLEC is on the minus strand). VCF-style: chr8-143918894-C-T. GRCh37 (hg19) VCF-style: chr8-144993062-C-T.
Other names: c.11008G>A (NM_000445.4, NM_000445.3); c.10831G>A, p.Val3611Met (NM_201381.3); c.10927G>A, p.Val3643Met (NM_201382.4); c.10939G>A, p.Val3647Met (NM_201383.3); c.11008G>A, p.Val3670Met (NM_000445.5); c.10885G>A, p.Val3629Met (NM_201378.4); c.10861G>A, p.Val3621Met (NM_201379.3); c.11338G>A, p.Val3780Met (NM_201380.4); short protein forms V3621M, V3643M, V3780M, V3611M, V3629M, V3670M, V3647M.
Identifiers: ClinVar variation 1038298 (VCV001038298.11), dbSNP rs372569386, ClinGen allele CA4924495.